The following is an entry in ClinVar:

ClinVar aggregate classification (germline): Uncertain significance (1 of 4 stars; one submission).

Conditions:
Developmental and epileptic encephalopathy, 56. Also called: EPILEPTIC ENCEPHALOPATHY, EARLY INFANTILE, 56. Identifiers: MedGen C4540034, MONDO:0033365, OMIM 617665.

Submission:

Juno Genomics, Hangzhou Juno Genomics, Inc
Classification: Uncertain significance for Developmental and epileptic encephalopathy, 56. Review status: criteria provided, single submitter. Criteria: ACMG Guidelines, 2015. Collection method: clinical testing. Allele origin: germline. Affected: yes.
Comment: Absent from controls (or at extremely low frequency if recessive) in Genome Aggregation Database.;Missense variant in a gene that has a low rate of benign missense variation.;Well-established in vitro or in vivo functional studies supportive of a damaging effect on the gene or gene product.

NM_012479.4(YWHAG):c.148A>G (p.Lys50Glu)

Gene: YWHAG (tyrosine 3-monooxygenase/tryptophan 5-monooxygenase activation protein gamma; minus strand). Cytogenetic location: 7q11.23.
Variant type: single nucleotide variant.
Coding change: c.148A>G on transcript NM_012479.4 (MANE Select); coding-DNA position 148, A replaced by G.
Protein change: p.Lys50Glu; replaces lysine 50 with glutamic acid.
Molecular consequence: missense variant.
Genome position (GRCh38, 1-based): chr7:76,330,173, T>C on the plus strand (A>G on the coding strand, the complement: YWHAG is on the minus strand). VCF-style: chr7-76330173-T-C. GRCh37 (hg19) VCF-style: chr7-75959490-T-C.
Other names: short protein forms K50E.
Identifiers: ClinVar variation 5019817 (VCV005019817.1).
Genomic context (GRCh38, chr7:76,330,173, plus strand): 5'-TCTTCTGCTCAATGCTACTGATGACCCTCCAGGAAGAGCGGCGTGCCCCCACAACGTTCT[T>C]GTAGGCCACAGACAGAAGGTTTCGTTCCTCATTCGACAGTGGCTCATTCAGCTCTGTCAC-3'
Protein context (NP_036611.2, residues 40-60): EERNLLSVAY[Lys50Glu]NVVGARRSSW